The following is an entry in ClinVar:

ClinVar aggregate classification (germline): Uncertain significance (1 of 4 stars; one submission).

Submission:

Labcorp Genetics (formerly Invitae), Labcorp
Classification: Uncertain significance. Last evaluated: 2024-06-24. Review status: criteria provided, single submitter. Criteria: Invitae Variant Classification Sherloc (09022015). Collection method: clinical testing. Allele origin: germline.
Comment: This sequence change replaces asparagine, which is neutral and polar, with aspartic acid, which is acidic and polar, at codon 1720 of the HUWE1 protein (p.Asn1720Asp). This variant is not present in population databases (gnomAD no frequency). This variant has not been reported in the literature in individuals affected with HUWE1-related conditions. Advanced modeling of protein sequence and biophysical properties (such as structural, functional, and spatial information, amino acid conservation, physicochemical variation, residue mobility, and thermodynamic stability) performed at Invitae indicates that this missense variant is not expected to disrupt HUWE1 protein function with a negative predictive value of 95%. In summary, the available evidence is currently insufficient to determine the role of this variant in disease. Therefore, it has been classified as a Variant of Uncertain Significance.

NM_031407.7(HUWE1):c.5158A>G (p.Asn1720Asp)

Gene: HUWE1 (HECT, UBA and WWE domain containing E3 ubiquitin protein ligase 1; minus strand). Cytogenetic location: Xp11.22.
Variant type: single nucleotide variant.
Coding change: c.5158A>G on transcript NM_031407.7 (MANE Select); coding-DNA position 5158, A replaced by G.
Protein change: p.Asn1720Asp; replaces asparagine 1720 with aspartic acid.
Molecular consequence: missense variant.
Genome position (GRCh38, 1-based): chrX:53,584,189, T>C on the plus strand (A>G on the coding strand, the complement: HUWE1 is on the minus strand). VCF-style: chrX-53584189-T-C. GRCh37 (hg19) VCF-style: chrX-53611149-T-C.
Other names: short protein forms N1720D.
Identifiers: ClinVar variation 2822023 (VCV002822023.3), dbSNP rs2525561326, ClinGen allele CA413174533.
Genomic context (GRCh38, chrX:53,584,189, plus strand): 5'-CCAGACCTTAAGCCACAAAGGCACATTAGCTTTAGGTAAAACACTCTTGGTACATACCAT[T>C]GCCTTTATTTTCTTTACGTTTGATATCCATTTCTTTGCTTTCTTCCAGCGTCTTCTCTAG-3'
Protein context (NP_113584.3, residues 1710-1730): MDIKRKENKG[Asn1720Asp]DTPLALESTN